The following is an entry in ClinVar:

ClinVar aggregate classification (germline): Uncertain significance. Review status: criteria provided, multiple submitters, no conflicts (2 of 4 stars). 4 submissions from 4 submitters: Uncertain significance (4). Last evaluated 2026-08-06.

Conditions:
Inborn genetic diseases. Identifiers: MedGen C0950123, MeSH D030342.
Glycogen storage disease IXb (GSD9B). Also called: GLYCOGENOSIS OF LIVER AND MUSCLE, AUTOSOMAL RECESSIVE; GSD IXb; PHOSPHORYLASE KINASE DEFICIENCY OF LIVER AND MUSCLE, AUTOSOMAL RECESSIVE. Identifiers: Orphanet 79240, MedGen C0543514, MONDO:0009868, OMIM 261750.

Allele frequency attached by ClinVar (database versions not stated): ExAC 0.00005; gnomAD 0.00005; gnomAD exomes 0.00006; TOPMed 0.00006.
gnomAD v4.1: 82 of 1,609,316 alleles (0.0051%); highest among the groups gnomAD compares: African/African-American, 0.013%; no homozygotes.

Submissions (4):

OLLIN Analises Genomicas, OLLIN
Classification: Uncertain significance for Glycogen storage disease IXb. Last evaluated: 2026-08-06. Review status: criteria provided, single submitter. Criteria: ACMG Guidelines 2015 PMID 25741868. Collection method: clinical testing. Allele origin: germline.
Comment: This missense variant, located in exon 18 (of 31), has been reported in ClinVar (accession VCV000649367.7) and in gnomAD with an allele frequency of 0.0051%. However, to our knowledge, it has not been reported in the scientific literature. In silico analysis predicts that this variant has a deleterious effect. This gene has high tolerance to missense variation. According to the currently available evidence, this variant has been classified as uncertain significance (PM2_P, PP3_M, BP1).

Ambry Genetics
Classification: Uncertain significance for Inborn genetic diseases. Last evaluated: 2025-01-22. Review status: criteria provided, single submitter. Criteria: Ambry Variant Classification Scheme 2023. Collection method: clinical testing. Allele origin: germline.

Blueprint Genetics
Classification: Uncertain significance. Last evaluated: 2024-07-06. Review status: criteria provided, single submitter. Criteria: ACMG Guidelines, 2015. Collection method: clinical testing. Allele origin: germline.

Labcorp Genetics (formerly Invitae), Labcorp
Classification: Uncertain significance for Glycogen storage disease IXb. Last evaluated: 2022-06-04. Review status: criteria provided, single submitter. Criteria: Invitae Variant Classification Sherloc (09022015). Collection method: clinical testing. Allele origin: germline.
Comment: This sequence change replaces proline, which is neutral and non-polar, with leucine, which is neutral and non-polar, at codon 577 of the PHKB protein (p.Pro577Leu). This variant is present in population databases (rs775984009, gnomAD 0.03%). This variant has not been reported in the literature in individuals affected with PHKB-related conditions. ClinVar contains an entry for this variant (Variation ID: 649367). Algorithms developed to predict the effect of missense changes on protein structure and function are either unavailable or do not agree on the potential impact of this missense change (SIFT: "Deleterious"; PolyPhen-2: "Benign"; Align-GVGD: "Class C15"). In summary, the available evidence is currently insufficient to determine the role of this variant in disease. Therefore, it has been classified as a Variant of Uncertain Significance.

NM_000293.3(PHKB):c.1730C>T (p.Pro577Leu)

Gene: PHKB (phosphorylase kinase regulatory subunit beta; plus strand). Cytogenetic location: 16q12.1.
Variant type: single nucleotide variant.
Coding change: c.1730C>T on transcript NM_000293.3 (MANE Select); coding-DNA position 1730, C replaced by T.
Protein change: p.Pro577Leu; replaces proline 577 with leucine.
Molecular consequence: missense variant.
Genome position (GRCh38, 1-based): chr16:47,649,137, C>T. VCF-style: chr16-47649137-C-T. GRCh37 (hg19) VCF-style: chr16-47683048-C-T.
Other names: c.1709C>T, p.Pro570Leu (NM_001031835.3); c.1730C>T, p.Pro577Leu (NM_001363837.1); short protein forms P577L, P570L.
Identifiers: ClinVar variation 649367 (VCV000649367.9), dbSNP rs775984009, ClinGen allele CA8040946.